The following is an entry in ClinVar:

NM_024577.4(SH3TC2):c.3049G>A (p.Ala1017Thr)

Gene: SH3TC2 (SH3 domain and tetratricopeptide repeats 2; minus strand). Cytogenetic location: 5q32.
Variant type: single nucleotide variant.
Coding change: c.3049G>A on transcript NM_024577.4 (MANE Select); coding-DNA position 3049, G replaced by A.
Protein change: p.Ala1017Thr; replaces alanine 1017 with threonine.
Molecular consequence: missense variant.
Genome position (GRCh38, 1-based): chr5:149,026,576, C>T on the plus strand (G>A on the coding strand, the complement: SH3TC2 is on the minus strand). VCF-style: chr5-149026576-C-T. GRCh37 (hg19) VCF-style: chr5-148406139-C-T.
Other names: short protein forms A1017T.
Identifiers: ClinVar variation 351901 (VCV000351901.19), dbSNP rs186029710, ClinGen allele CA3498867.
Genomic context (GRCh38, chr5:149,026,576, plus strand): 5'-TGTTTCTCCTTAAGGAAGGAAAGCTGCTTCTAGGACAGTTCCTGACCCTGACTCACCTGG[C>T]GGTATTTAGGTTCCGATAAAGCTGCCCCAGGGACTCCAGCAGCCTCCCTTCCATCTCCCG-3'
Protein context (NP_078853.2, residues 1007-1027): LGQLYRNLNT[Ala1017Thr]RSLRRSLTCI

ClinVar aggregate classification (germline): Likely benign. Review status: criteria provided, multiple submitters, no conflicts (2 of 4 stars). 4 submissions from 4 submitters: Likely benign (4). Last evaluated 2025-10-21.

Conditions:
Inborn genetic diseases. Identifiers: MedGen C0950123, MeSH D030342.
SH3TC2-related disorder. Also called: SH3TC2-related disorders; SH3TC2-related condition. Identifiers: MedGen CN239303.
Charcot-Marie-Tooth disease type 4. Also called: Charcot-Marie-Tooth disease, type IV; Charcot-Marie-Tooth, Type 4. Identifiers: Orphanet 64749, MedGen C4082197, MONDO:0018995.

Allele frequency attached by ClinVar (database versions not stated): gnomAD 0.00013 and 0.00022; TOPMed 0.00036; 1000 Genomes Project 30x 0.00094; 1000 Genomes Project 0.00120; ExAC 0.00031.
gnomAD v4.1: 286 of 1,613,900 alleles (0.018%); highest among the groups gnomAD compares: East Asian, 0.49%; no homozygotes.

Submissions (4):

PreventionGenetics, part of Exact Sciences
Classification: Likely benign for SH3TC2-related condition. Last evaluated: 2025-10-21. Review status: criteria provided, single submitter. Criteria: ACMG Guidelines, 2015. Collection method: clinical testing. Allele origin: germline.
Comment: This variant is classified as likely benign based on ACMG/AMP sequence variant interpretation guidelines (Richards et al. 2015 PMID: 25741868, with internal and published modifications).

Labcorp Genetics (formerly Invitae), Labcorp
Classification: Likely benign for Charcot-Marie-Tooth disease type 4. Last evaluated: 2025-09-23. Review status: criteria provided, single submitter. Criteria: Invitae Variant Classification Sherloc (09022015). Collection method: clinical testing. Allele origin: germline.

Ambry Genetics
Classification: Likely benign for Inborn genetic diseases. Last evaluated: 2021-05-18. Review status: criteria provided, single submitter. Criteria: Ambry Variant Classification Scheme 2023. Collection method: clinical testing. Allele origin: germline.

Athena Diagnostics
Classification: Likely benign. Last evaluated: 2019-03-26. Review status: criteria provided, single submitter. Criteria: Athena Diagnostics Criteria. Collection method: clinical testing. Allele origin: germline.